The following is an entry in ClinVar:

ClinVar aggregate classification (germline): Uncertain significance (1 of 4 stars; one submission).

Conditions:
Cardiovascular phenotype. Identifiers: MedGen CN230736.

gnomAD v4.1: 3 of 1,610,500 alleles (0.00019%); highest among the groups gnomAD compares: Non-Finnish European, 0.00017%; no homozygotes.

Submission:

Ambry Genetics
Classification: Uncertain significance for Cardiovascular phenotype. Last evaluated: 2024-11-13. Review status: criteria provided, single submitter. Criteria: Ambry Variant Classification Scheme 2023. Collection method: clinical testing. Allele origin: germline.
Comment: The p.E2931K variant (also known as c.8791G>A), located in coding exon 25 of the TNXB gene, results from a G to A substitution at nucleotide position 8791. The glutamic acid at codon 2931 is replaced by lysine, an amino acid with similar properties. This amino acid position is conserved. In addition, this alteration is predicted to be tolerated by in silico analysis. Based on the available evidence, the clinical significance of this variant remains unclear.

NM_001365276.2(TNXB):c.8797G>A (p.Glu2933Lys)

Gene: TNXB (tenascin XB; minus strand). Cytogenetic location: 6p21.33.
Variant type: single nucleotide variant.
Coding change: c.8797G>A on transcript NM_001365276.2 (MANE Select); coding-DNA position 8797, G replaced by A.
Protein change: p.Glu2933Lys; replaces glutamic acid 2933 with lysine.
Molecular consequence: missense variant.
Genome position (GRCh38, 1-based): chr6:32,052,988, C>T on the plus strand (G>A on the coding strand, the complement: TNXB is on the minus strand). VCF-style: chr6-32052988-C-T. GRCh37 (hg19) VCF-style: chr6-32020765-C-T.
Other names: c.9538G>A, p.Glu3180Lys (NM_001428335.1); c.8791G>A, p.Glu2931Lys (NM_019105.8); short protein forms E2933K, E2931K, E3180K.
Identifiers: ClinVar variation 3459736 (VCV003459736.1).